The following is an entry in ClinVar:

ClinVar aggregate classification (germline): Conflicting classifications of pathogenicity. Review status: criteria provided, conflicting classifications (1 of 4 stars). 5 submissions from 5 submitters: Pathogenic (3); Uncertain significance (1). 1 of the submissions does not count toward it. Last evaluated 2025-09-10.

Conditions:
Ciliary dyskinesia, primary, 40. Also called: CILIARY DYSKINESIA, PRIMARY, 40, WITH OR WITHOUT SITUS INVERSUS. Identifiers: MedGen C4749028, MONDO:0032664, OMIM 618300.
DNAH9-related disorder. Also called: DNAH9-related condition.

Allele frequency attached by ClinVar (database versions not stated): gnomAD exomes below 0.00001; gnomAD 0.00001; TOPMed 0.00001; ESP Exome Variant Server 0.00008.
gnomAD v4.1: 4 of 1,605,192 alleles (0.00025%); highest among the groups gnomAD compares: African/African-American, 0.0027%; no homozygotes.

Submissions (5):

Genomic Medicine Center of Excellence, King Faisal Specialist Hospital and Research Centre
Classification: Uncertain significance for Ciliary dyskinesia, primary, 40. Last evaluated: 2025-09-10. Review status: criteria provided, single submitter. Criteria: ACMG Guidelines, 2015. Collection method: clinical testing. Allele origin: germline.

First Genomix Gene Laboratory, Genetic Diagnostics Department
Classification: Pathogenic for Ciliary dyskinesia, primary, 40. Last evaluated: 2025-05-05. Review status: criteria provided, single submitter. Criteria: ACMG Guidelines, 2015. Collection method: clinical testing. Allele origin: germline. Inheritance: Autosomal recessive inheritance. Affected: no. Observed: 1 variant allele.

Labcorp Genetics (formerly Invitae), Labcorp
Classification: Pathogenic. Last evaluated: 2023-07-10. Review status: criteria provided, single submitter. Criteria: Invitae Variant Classification Sherloc (09022015). Collection method: clinical testing. Allele origin: germline.
Comment: Disruption of this splice site has been observed in individual(s) with clinical features of primary ciliary dyskinesia (PMID: 30471717). It has also been observed to segregate with disease in related individuals. This variant is present in population databases (rs143007518, gnomAD 0.06%). This sequence change affects an acceptor splice site in intron 45 of the DNAH9 gene. It is expected to disrupt RNA splicing. Variants that disrupt the donor or acceptor splice site typically lead to a loss of protein function (PMID: 16199547), and loss-of-function variants in DNAH9 are known to be pathogenic (PMID: 30471718). Algorithms developed to predict the effect of sequence changes on RNA splicing suggest that this variant may disrupt the consensus splice site. ClinVar contains an entry for this variant (Variation ID: 617520). For these reasons, this variant has been classified as Pathogenic.

Blueprint Genetics
Classification: Pathogenic for DNAH9-related disorders. Last evaluated: 2023-04-13. Review status: criteria provided, single submitter. Criteria: ACMG Guidelines, 2015. Collection method: clinical testing. Allele origin: germline. Affected: yes. Observed: 3 variant alleles.

OMIM
Classification: Pathogenic for CILIARY DYSKINESIA, PRIMARY, 40, WITH SITUS INVERSUS. Last evaluated: 2019-01-29. Review status: no assertion criteria provided. Collection method: literature only. Allele origin: germline. Not counted in ClinVar's aggregate classification.

Literature cited by the submitters: PubMed 30471717 (cited by Labcorp Genetics (formerly Invitae), Labcorp and OMIM); PubMed 16199547 (cited by Labcorp Genetics (formerly Invitae), Labcorp); PubMed 30471718 (cited by Labcorp Genetics (formerly Invitae), Labcorp).

NM_001372.4(DNAH9):c.8708-2A>G

Gene: DNAH9 (dynein axonemal heavy chain 9; plus strand). Cytogenetic location: 17p12.
Variant type: single nucleotide variant.
Coding change: c.8708-2A>G on transcript NM_001372.4 (MANE Select); the canonical splice acceptor site of the intron before coding-DNA position 8708, A replaced by G.
Molecular consequence: splice acceptor variant.
Genome position (GRCh38, 1-based): chr17:11,821,918, A>G. VCF-style: chr17-11821918-A-G. GRCh37 (hg19) VCF-style: chr17-11725235-A-G.
Other names: IVS45AS, A-G, -2 (rs143007518).
Identifiers: ClinVar variation 617520 (VCV000617520.7), dbSNP rs143007518, ClinGen allele CA288037069.
Genomic context (GRCh38, chr17:11,821,918, plus strand): 5'-TGTCTGATTGCATCATTTAACGAGATGCCAAGGCTGCCTATCTGTGCTCCATTTTTTCCC[A>G]GGGGAGATCCCAGATCTCTACTCTGATGATGAAGTTGAAAACATCATAAGCAATGTGAGG-3'